The following is an entry in ClinVar:

NM_001134407.3(GRIN2A):c.1781C>T (p.Pro594Leu)

Gene: GRIN2A (glutamate ionotropic receptor NMDA type subunit 2A; minus strand). Cytogenetic location: 16p13.2.
Variant type: single nucleotide variant.
Coding change: c.1781C>T on transcript NM_001134407.3 (MANE Select); coding-DNA position 1781, C replaced by T.
Protein change: p.Pro594Leu; replaces proline 594 with leucine.
Molecular consequence: missense variant.
Genome position (GRCh38, 1-based): chr16:9,829,649, G>A on the plus strand (C>T on the coding strand, the complement: GRIN2A is on the minus strand). VCF-style: chr16-9829649-G-A. GRCh37 (hg19) VCF-style: chr16-9923506-G-A.
Other names: c.1781C>T, p.Pro594Leu (NM_000833.5, NM_001134408.2); short protein forms P594L.
Identifiers: ClinVar variation 3774721 (VCV003774721.2).

ClinVar aggregate classification (germline): Uncertain significance (1 of 4 stars; one submission).

gnomAD v4.1: 9 of 1,609,070 alleles (0.00056%); highest among the groups gnomAD compares: Non-Finnish European, 0.0006%; no homozygotes.

Submission:

GeneDx
Classification: Uncertain significance. Last evaluated: 2026-09-22. Review status: criteria provided, single submitter. Criteria: GeneDx Variant Classification Process June 2021. Collection method: clinical testing. Allele origin: germline.
Comment: Not observed at significant frequency in large population cohorts (gnomAD); In silico analysis supports that this missense variant has a deleterious effect on protein structure/function; Has not been previously published as pathogenic or benign to our knowledge